The following is an entry in ClinVar:

ClinVar aggregate classification (germline): Uncertain significance (1 of 4 stars; one submission).

Submission:

Women's Health and Genetics/Laboratory Corporation of America, LabCorp
Classification: Uncertain significance. Last evaluated: 2023-05-04. Review status: criteria provided, single submitter. Criteria: LabCorp Variant Classification Summary - May 2015. Collection method: clinical testing. Allele origin: germline.
Comment: Variant summary: MYBPC1 c.283A>G (p.Lys95Glu) results in a conservative amino acid change located in the Immunoglobulin subtype domain (IPR003599) of the encoded protein sequence. Five of five in-silico tools predict a benign effect of the variant on protein function. The variant was absent in 251152 control chromosomes (gnomAD). The available data on variant occurrences in the general population are insufficient to allow any conclusion about variant significance. To our knowledge, no occurrence of c.283A>G in individuals affected with MYBPC1-Related Disorders and no experimental evidence demonstrating its impact on protein function have been reported. No clinical diagnostic laboratories have submitted clinical-significance assessments for this variant to ClinVar after 2014. Based on the evidence outlined above, the variant was classified as uncertain significance.

NM_002465.4(MYBPC1):c.283A>G (p.Lys95Glu)

Gene: MYBPC1 (myosin binding protein C1; plus strand). Cytogenetic location: 12q23.2.
Variant type: single nucleotide variant.
Coding change: c.283A>G on transcript NM_002465.4 (MANE Select); coding-DNA position 283, A replaced by G.
Protein change: p.Lys95Glu; replaces lysine 95 with glutamic acid.
Molecular consequence: missense variant.
Genome position (GRCh38, 1-based): chr12:101,629,538, A>G. VCF-style: chr12-101629538-A-G. GRCh37 (hg19) VCF-style: chr12-102023316-A-G.
Other names: c.208A>G, p.Lys70Glu (NM_001254718.3, NM_001254719.3, NM_001254721.3 and 4 more transcripts); c.172A>G, p.Lys58Glu (NM_001254720.3); c.130A>G, p.Lys44Glu (NM_001254722.3, NM_001404677.1, NM_001404679.1 and 2 more transcripts); c.169A>G, p.Lys57Glu (NM_001254723.3); c.283A>G, p.Lys95Glu (NM_001404675.1, NM_206819.4); short protein forms K44E, K57E, K58E, K70E, K95E.
Identifiers: ClinVar variation 2506280 (VCV002506280.1), dbSNP rs2547464542, ClinGen allele CA386276964.